The following is an entry in ClinVar:

NM_181523.3(PIK3R1):c.202G>C (p.Asp68His)

Gene: PIK3R1 (phosphoinositide-3-kinase regulatory subunit 1; plus strand). Cytogenetic location: 5q13.1.
Variant type: single nucleotide variant.
Coding change: c.202G>C on transcript NM_181523.3 (MANE Select); coding-DNA position 202, G replaced by C.
Protein change: p.Asp68His; replaces aspartic acid 68 with histidine.
Molecular consequence: missense variant.
Genome position (GRCh38, 1-based): chr5:68,226,877, G>C. VCF-style: chr5-68226877-G-C. GRCh37 (hg19) VCF-style: chr5-67522705-G-C.
Other names: c.202G>C (NM_181523.2); short protein forms D68H.
Identifiers: ClinVar variation 1053229 (VCV001053229.10), dbSNP rs755043940, ClinGen allele CA3289944.

ClinVar aggregate classification (germline): Uncertain significance. Review status: criteria provided, multiple submitters, no conflicts (2 of 4 stars). 2 submissions from 2 submitters: Uncertain significance (2). Last evaluated 2024-10-20.

Conditions:
Immunodeficiency 36 with lymphoproliferation. Also called: ACTIVATED PI3K-DELTA SYNDROME 2; Activated PI3K Delta Syndrome Type 2 (APDS2); Immunodeficiency 36. Identifiers: Orphanet 397596, Orphanet 693681, MedGen C4014934, MONDO:0014453, OMIM 616005.
Agammaglobulinemia 7, autosomal recessive (AGM7). Also called: AGAMMAGLOBULINEMIA, AUTOSOMAL RECESSIVE, DUE TO PIK3R1 DEFECT. Identifiers: MedGen C3554689, MONDO:0014083, OMIM 615214.
SHORT syndrome. Also called: SHORT STATURE, HYPEREXTENSIBILITY, HERNIA, OCULAR DEPRESSION, RIEGER ANOMALY, AND TEETHING DELAY; PIK3R1-Related SHORT Syndrome; LIPODYSTROPHY, PARTIAL, WITH RIEGER ANOMALY AND SHORT STATURE. Identifiers: Orphanet 3163, MedGen C0878684, MONDO:0010026, OMIM 269880.
Inborn genetic diseases. Identifiers: MedGen C0950123, MeSH D030342.

Allele frequency attached by ClinVar (database versions not stated): gnomAD 0.00002.
gnomAD v4.1: 17 of 1,613,946 alleles (0.0011%); highest among the groups gnomAD compares: Admixed American, 0.0067%; no homozygotes.

Submissions (2):

Ambry Genetics
Classification: Uncertain significance for Inborn genetic diseases. Last evaluated: 2024-10-20. Review status: criteria provided, single submitter. Criteria: Ambry Variant Classification Scheme 2023. Collection method: clinical testing. Allele origin: germline.

Labcorp Genetics (formerly Invitae), Labcorp
Classification: Uncertain significance for SHORT syndrome; Immunodeficiency 36 with lymphoproliferation; Agammaglobulinemia 7, autosomal recessive. Last evaluated: 2024-03-27. Review status: criteria provided, single submitter. Criteria: Invitae Variant Classification Sherloc (09022015). Collection method: clinical testing. Allele origin: germline.
Comment: This sequence change replaces aspartic acid, which is acidic and polar, with histidine, which is basic and polar, at codon 68 of the PIK3R1 protein (p.Asp68His). This variant is present in population databases (rs755043940, gnomAD 0.009%). This variant has not been reported in the literature in individuals affected with PIK3R1-related conditions. ClinVar contains an entry for this variant (Variation ID: 1053229). An algorithm developed to predict the effect of missense changes on protein structure and function (PolyPhen-2) suggests that this variant is likely to be disruptive. In summary, the available evidence is currently insufficient to determine the role of this variant in disease. Therefore, it has been classified as a Variant of Uncertain Significance.